The following is an entry in ClinVar:

ClinVar aggregate classification (germline): Likely pathogenic (1 of 4 stars; one submission).

Conditions:
Intellectual developmental disorder, autosomal dominant 6, with or without seizures. Also called: GRIN2B-related developmental delay, intellectual disability and autism spectrum disorder; Intellectual disability, autosomal dominant 6. Identifiers: Orphanet 589547, MedGen C3151411, MONDO:0013509, OMIM 613970.

Submission:

MGZ Medical Genetics Center
Classification: Likely pathogenic for Intellectual developmental disorder, autosomal dominant 6, with or without seizures. Last evaluated: 2022-01-25. Review status: criteria provided, single submitter. Criteria: ACMG Guidelines, 2015. Collection method: clinical testing. Allele origin: germline. Affected: yes. Observed: 1 variant allele.
Comment: ACMG criteria applied: PVS1, PM2_SUP

NM_000834.5(GRIN2B):c.2010+1G>C

Gene: GRIN2B (glutamate ionotropic receptor NMDA type subunit 2B; minus strand). Cytogenetic location: 12p13.1.
Variant type: single nucleotide variant.
Coding change: c.2010+1G>C on transcript NM_000834.5 (MANE Select); the canonical splice donor site of the intron after coding-DNA position 2010, G replaced by C.
Molecular consequence: splice donor variant.
Genome position (GRCh38, 1-based): chr12:13,608,602, C>G on the plus strand (G>C on the coding strand, the complement: GRIN2B is on the minus strand). VCF-style: chr12-13608602-C-G. GRCh37 (hg19) VCF-style: chr12-13761536-C-G.
Other names: c.2010+1G>C (NM_001413992.1).
Identifiers: ClinVar variation 1708987 (VCV001708987.2), dbSNP rs2497582852, ClinGen allele CA384050643.
Genomic context (GRCh38, chr12:13,608,602, plus strand): 5'-TTTGAGTATGGCTGAGAACAGGATTGAGGGAAAGACGGGAGATTTCAAATGAGTCTCTTA[C>G]CTTTTTGTCGCTCAGGCCAGAAACCTGGTCCACATATTCCTCTTGGATCATGAAGGCAGC-3'